The following is an entry in ClinVar:

NM_001267550.2(TTN):c.35842A>G (p.Ile11948Val)

Gene: TTN (titin; minus strand). Cytogenetic location: 2q31.2.
Variant type: single nucleotide variant.
Coding change: c.35842A>G on transcript NM_001267550.2 (MANE Select); coding-DNA position 35842, A replaced by G.
Protein change: p.Ile11948Val; replaces isoleucine 11948 with valine.
Molecular consequence: missense variant. On other transcripts: intron variant (5).
Genome position (GRCh38, 1-based): chr2:178,666,857, T>C on the plus strand (A>G on the coding strand, the complement: TTN is on the minus strand). VCF-style: chr2-178666857-T-C. GRCh37 (hg19) VCF-style: chr2-179531584-T-C.
Other names: c.13283-24540A>G (NM_003319.4); c.13859-24540A>G (NM_133437.4); c.13658-24540A>G (NM_133432.3); c.31483+3361A>G (NM_133378.4); c.34264+3361A>G (NM_001256850.1); short protein forms I11948V.
Identifiers: ClinVar variation 4074671 (VCV004074671.1).

ClinVar aggregate classification (germline): Uncertain significance (1 of 4 stars; one submission).

gnomAD v4.1: 4 of 1,572,922 alleles (0.00025%); highest among the groups gnomAD compares: Non-Finnish European, 0.00035%; no homozygotes.

Submission:

GeneDx
Classification: Uncertain significance. Last evaluated: 2025-02-10. Review status: criteria provided, single submitter. Criteria: GeneDx Variant Classification Process June 2021. Collection method: clinical testing. Allele origin: germline. Affected: yes.
Comment: Not observed at significant frequency in large population cohorts (gnomAD); Missense variant in a gene in which most reported pathogenic variants are truncating/loss of function; Has not been previously published as pathogenic or benign to our knowledge